The following is an entry in ClinVar:

ClinVar aggregate classification (germline): Uncertain significance (1 of 4 stars; one submission).

Submission:

Labcorp Genetics (formerly Invitae), Labcorp
Classification: Uncertain significance. Last evaluated: 2023-07-10. Review status: criteria provided, single submitter. Criteria: Invitae Variant Classification Sherloc (09022015). Collection method: clinical testing. Allele origin: germline.
Comment: This variant results in a copy number gain of the genomic region encompassing exon(s) 4-6 of the GHR gene. While the exact position of this variant cannot be determined from the data, sub-genic copy number gains are generally in tandem (PMID: 25640679). This variant is predicted to be out-of-frame, and may result in an absent or disrupted protein product. However, the current clinical and genetic evidence is not sufficient to establish whether loss-of-function variants in GHR cause disease. This variant has not been reported in the literature in individuals affected with GHR-related conditions. Experimental studies and prediction algorithms are not available or were not evaluated, and the functional significance of this variant is currently unknown. In summary, the available evidence is currently insufficient to determine the role of this variant in disease. Therefore, it has been classified as a Variant of Uncertain Significance.

Literature cited by the submitters: PubMed 25640679.

NC_000005.9:g.(?_42688972)_(42701904_?)dup

Gene: GHR (growth hormone receptor; plus strand). Cytogenetic location: 5p12.
Variant type: Duplication.
Identifiers: ClinVar variation 1409147 (VCV001409147.5).